The following continues an entry in ClinVar:

NM_000059.4(BRCA2):c.7762_7764delinsTT (p.Ile2588fs)

Gene: BRCA2. ClinVar aggregate classification (germline): Pathogenic. Pathogenic (1).

Submissions 11 to 17 of 17:

All of Us Research Program, National Institutes of Health
Classification: Pathogenic for Breast-ovarian cancer, familial, susceptibility to, 2. Last evaluated: 2023-08-08. Review status: criteria provided, single submitter. Criteria: ACMG Guidelines, 2015. Collection method: clinical testing. Allele origin: germline. Inheritance: Autosomal dominant inheritance. Observed: 2 variant alleles, 2 heterozygotes. Not counted in ClinVar's aggregate classification.
Comment: This variant deletes 3 nucleotides and inserts 2 nucleotides in exon 16 of the BRCA2 gene, creating a frameshift and premature translation stop signal. This variant is also known as 7990delATAinsTT or 7990del3ins2 in the literature. This variant is expected to result in an absent or non-functional protein product. This variant has been reported in 5 individuals affected with pancreatic, breast, or ovarian cancer (PMID: 18824701, 20104584, 24307375, 30274973). This variant has not been identified in the general population by the Genome Aggregation Database (gnomAD). Loss of BRCA2 function is a known mechanism of disease. Based on the available evidence, this variant is classified as Pathogenic.

This study involves interpretation of variants in research participants for the purpose of population health screening. Participant phenotype was not available at the time of variant classification. Additional details can be found in publication PMID: 35346344, PMCID: PMC8962531

Baylor Genetics
Classification: Pathogenic for Familial cancer of breast. Last evaluated: 2022-08-05. Review status: criteria provided, single submitter. Criteria: ACMG Guidelines, 2015. Collection method: clinical testing. Allele origin: unknown. Not counted in ClinVar's aggregate classification.

Laboratory for Molecular Medicine, Mass General Brigham Personalized Medicine
Classification: Pathogenic for Hereditary breast ovarian cancer syndrome. Last evaluated: 2016-06-02. Review status: criteria provided, single submitter. Criteria: LMM Criteria. Collection method: clinical testing. Allele origin: germline. Inheritance: Autosomal dominant inheritance. Observed: 2 variant alleles. Not counted in ClinVar's aggregate classification.
Comment: The p.Ile2588fs (c.7762_7764delinsTT) variant in BRCA2 has been reported in at l east 8 individuals with BRCA2-associated cancers (Evans 2003, Lai 2015, Breast C ancer Information Core database). While this va riant was absent from large population studies, the ability of these studies to accurately detect indels may be limited. This variant is predicted to cause a fr ameshift, which alters the protein?s amino acid sequence beginning at position 2 588 and leads to a premature termination codon 60 amino acids downstream. This a lteration is then predicted to lead to a truncated or absent protein. Heterozygo us loss of function of the BRCA2 gene is an established disease mechanism in her editary breast and ovarian cancer (HBOC). Additionally, the p.Ile2588fs variant has been classified as pathogenic on April 22, 2016 by the ClinGen-approved ENIG MA Expert Panel (ClinVar SCV000282449.1). In summary, this variant meets our cri teria to be classified as pathogenic for HBOC in an autosomal dominant manner ba sed upon the predicted impact to the protein and presence in multiple affected i ndividuals.

Consortium of Investigators of Modifiers of BRCA1/2 (CIMBA), c/o University of Cambridge
Classification: Pathogenic for Breast-ovarian cancer, familial, susceptibility to, 2. Last evaluated: 2015-10-02. Review status: criteria provided, single submitter. Criteria: CIMBA Mutation Classification guidelines May 2016. Collection method: clinical testing. Allele origin: germline. Not counted in ClinVar's aggregate classification.

Ambry Genetics
Classification: Pathogenic for Hereditary cancer-predisposing syndrome. Last evaluated: 2015-08-12. Review status: criteria provided, single submitter. Criteria: Ambry Autosomal Dominant and X-Linked criteria (10/2015). Collection method: clinical testing. Allele origin: germline. Observed: 1 variant allele. Not counted in ClinVar's aggregate classification.
Comment: The c.7762_7764delinsTT(also known as 7990delATAinsTT)pathogenic mutation, located in coding exon 15 of the BRCA2 gene, results from the deletion of threenucleotides and insertion of two nucleotides causing a translational frameshift with a predicted alternate stop codon. This alteration has been previously identified in one family with HBOC(Evans DG, J. Med. Genet. 2003 Sep; 40(9):e107.). In addition to the clinical history presented in the literature, since frameshifts are typically deleterious in nature, this alteration is interpreted as a disease-causing mutation (ACMG Recommendations for Standards for Interpretation and Reporting of Sequence Variations. Revision 2007. Genet Med. 2008;10:294).<br />

Research Molecular Genetics Laboratory, Women's College Hospital, University of Toronto
Classification: Pathogenic for Hereditary breast ovarian cancer syndrome. Last evaluated: 2014-01-31. Review status: no assertion criteria provided. Collection method: research. Allele origin: germline. Affected: yes. Study: The Canadian Open Genetics Repository (COGR). Not counted in ClinVar's aggregate classification.

Department of Pathology and Laboratory Medicine, Sinai Health System
Classification: Pathogenic for Malignant tumor of breast. Review status: no assertion criteria provided. Collection method: clinical testing. Allele origin: unknown. Affected: yes. Study: The Canadian Open Genetics Repository (COGR). Not counted in ClinVar's aggregate classification.
Comment: The BRCA2 p.Ile2588Phefs*60 variant was identified in 2 of 5068 proband chromosomes (frequency: 0.0004) from individuals or families with breast cancer (Borg 2010, Evans 2003). The variant was also identified in ClinVar (classified as pathogenic by ENIGMA expert panel, Invitae, GeneDx, Ambry Genetics and six other submitters). The variant was not identified in the following control databases: the Exome Aggregation Consortium (August 8th 2016) or the Genome Aggregation Database (Feb 27, 2017). The c.7762_7764delinsTT variant is predicted to cause a frameshift, which alters the protein's amino acid sequence beginning at codon 2588 and leads to a premature stop codon at position 2647. This alteration is then predicted to result in a truncated or absent protein and loss of function. Loss of function variants of the BRCA2 gene are an established mechanism of disease in hereditary breast and ovarian cancer (HBOC) and is the type of variant expected to cause the disorder. In summary, based on the above information, this variant meets our laboratoryâ€šÃ„Ã´s criteria to be classified as pathogenic.

Literature cited by the submitters: PubMed 18824701 (cited by 5 submitters); PubMed 20104584 (cited by 7 submitters); PubMed 24307375 (cited by 6 submitters); PubMed 30274973 (cited by 5 submitters); PubMed 31853058 (cited by Color Diagnostics, LLC DBA Color Health); PubMed 33471991 (cited by Color Diagnostics, LLC DBA Color Health and Quest Diagnostics Nichols Institute San Juan Capistrano); PubMed 18703817 (cited by 3 submitters); PubMed 15131399 (cited by 4 submitters); PubMed 12960223 (cited by 7 submitters); PubMed 25685387 (cited by 4 submitters); PubMed 29446198 (cited by Quest Diagnostics Nichols Institute San Juan Capistrano); PubMed 22706548 (cited by 3 submitters); PubMed 26295337 (cited by Quest Diagnostics Nichols Institute San Juan Capistrano); PubMed 20301425 (cited by Molecular Genetics, Royal Melbourne Hospital); PubMed 30883245 (cited by Molecular Genetics, Royal Melbourne Hospital); PubMed 36556183 (cited by Molecular Genetics, Royal Melbourne Hospital).